The following is an entry in ClinVar:

ClinVar aggregate classification (germline): Likely pathogenic (1 of 4 stars; one submission).

Conditions:
Neuronal ceroid lipofuscinosis 8 (CLN8). Also called: CLN8-Related Neuronal Ceroid-Lipofuscinosis. Identifiers: Orphanet 168491, Orphanet 228354, Orphanet 79264, MedGen C1838570, MONDO:0010830, OMIM 600143.

Submission:

Human Genome Lab, NIMHANS, National Institute of Mental Health and Neuro Sciences
Classification: Likely pathogenic for Neuronal ceroid lipofuscinosis 8. Last evaluated: 2022-04-12. Review status: criteria provided, single submitter. Criteria: ACMG Guidelines, 2015. Collection method: clinical testing. Allele origin: unknown. Inheritance: Autosomal recessive inheritance. Affected: yes. Observed: 1 homozygote.
Comment: Imaging showed diffuse cerebellar atrophy, confluent T2/FLAIR hyperintensities in the periventricular region and bilateral hypointense thalami suggestive of NCL. The skin biopsy submitted for electron microscopy showed characteristic membrane bound inclusions in the form of curvilinear and fingerprint profiles in epithelial and myoepithelial cells of glands and in fibroblasts diagnostic of Neuronal ceroid lipofuscinosis. The variant is novel (not observed in any individuals in 1KG, gnomAD and our inhouse database). This variant mutates a splice-acceptor sequence, but is predicted to preserve the reading frame, resulting in in-frame exon skipping. This variant results in the loss of an acceptor splice site for the clinically relevant transcript. There are 7 downstream pathogenic loss of function variants. This indicates that the region is critical to protein function. The c.544-1G>T variant is a loss of function variant in the gene CLN8, which is intolerant of Loss of Function variants, as indicated by the presence of existing pathogenic loss of function variant NP_061764.2:p.S10* and 10 others. In addition, the clinical phenotype of the proband matches to that of the disorder caused by pathogenic variants in CLN8 gene. For these reasons, this variant has been classified as Likely Pathogenic.

NM_018941.4(CLN8):c.544-1G>T

Gene: CLN8 (CLN8 transmembrane ER and ERGIC protein; plus strand). Cytogenetic location: 8p23.3.
Variant type: single nucleotide variant.
Coding change: c.544-1G>T on transcript NM_018941.4 (MANE Select); the canonical splice acceptor site of the intron before coding-DNA position 544, G replaced by T.
Molecular consequence: splice acceptor variant.
Genome position (GRCh38, 1-based): chr8:1,780,249, G>T. VCF-style: chr8-1780249-G-T. GRCh37 (hg19) VCF-style: chr8-1728415-G-T.
Identifiers: ClinVar variation 1809612 (VCV001809612.3), dbSNP rs2486488212, ClinGen allele CA369953799.
Genomic context (GRCh38, chr8:1,780,249, plus strand): 5'-TGTGAAGAATGAATTTTGGCAGTTTCGCATTGACTTGTGCATTTGTCTTCTCTCCATGCA[G>T]GCGGGCTGGTCCGAGTCTCTGTTTTGGAAGCTCAACCAGTGGCTGATGATTCACATGTTT-3'